The following is an entry in ClinVar:

NM_032119.4(ADGRV1):c.8128G>T (p.Ala2710Ser)

Gene: ADGRV1 (adhesion G protein-coupled receptor V1; plus strand). Cytogenetic location: 5q14.3.
Variant type: single nucleotide variant.
Coding change: c.8128G>T on transcript NM_032119.4 (MANE Select); coding-DNA position 8128, G replaced by T.
Protein change: p.Ala2710Ser; replaces alanine 2710 with serine.
Molecular consequence: missense variant. On other transcripts: non-coding transcript variant (1).
Genome position (GRCh38, 1-based): chr5:90,697,119, G>T. VCF-style: chr5-90697119-G-T. GRCh37 (hg19) VCF-style: chr5-89992936-G-T.
Other names: short protein forms A2710S.
Identifiers: ClinVar variation 1925007 (VCV001925007.5), dbSNP rs1440345825, ClinGen allele CA360386046.

ClinVar aggregate classification (germline): Uncertain significance (1 of 4 stars; one submission).

Allele frequency attached by ClinVar (database versions not stated): TOPMed below 0.00001; gnomAD 0.00001.
gnomAD v4.1: 1 of 1,613,156 alleles (0.000062%); highest among the groups gnomAD compares: Non-Finnish European, 0.000085%; no homozygotes.

Submission:

Labcorp Genetics (formerly Invitae), Labcorp
Classification: Uncertain significance. Last evaluated: 2021-12-20. Review status: criteria provided, single submitter. Criteria: Invitae Variant Classification Sherloc (09022015). Collection method: clinical testing. Allele origin: germline.
Comment: This sequence change replaces alanine, which is neutral and non-polar, with serine, which is neutral and polar, at codon 2710 of the ADGRV1 protein (p.Ala2710Ser). This variant is present in population databases (no rsID available, gnomAD 0.007%). In summary, the available evidence is currently insufficient to determine the role of this variant in disease. Therefore, it has been classified as a Variant of Uncertain Significance. Algorithms developed to predict the effect of missense changes on protein structure and function output the following: SIFT: "Tolerated"; PolyPhen-2: "Benign"; Align-GVGD: "Class C0". The serine amino acid residue is found in multiple mammalian species, which suggests that this missense change does not adversely affect protein function. This variant has not been reported in the literature in individuals affected with ADGRV1-related conditions.